The following is an entry in ClinVar:

ClinVar aggregate classification (germline): Uncertain significance (1 of 4 stars; one submission).

Conditions:
Cornelia de Lange syndrome 1 (CDLS1). Also called: Brachmann de Lange syndrome; TYPUS DEGENERATIVUS AMSTELODAMENSIS; NIPBL-Related Cornelia de Lange Syndrome. Identifiers: Orphanet 199, MedGen C4551851, MONDO:0007387, OMIM 122470.

Submission:

Labcorp Genetics (formerly Invitae), Labcorp
Classification: Uncertain significance for Cornelia de Lange syndrome 1. Last evaluated: 2024-04-24. Review status: criteria provided, single submitter. Criteria: Invitae Variant Classification Sherloc (09022015). Collection method: clinical testing. Allele origin: germline.
Comment: This sequence change replaces methionine, which is neutral and non-polar, with valine, which is neutral and non-polar, at codon 1743 of the NIPBL protein (p.Met1743Val). This variant is present in population databases (rs771949637, gnomAD 0.002%). This variant has not been reported in the literature in individuals affected with NIPBL-related conditions. An algorithm developed to predict the effect of missense changes on protein structure and function (PolyPhen-2) suggests that this variant is likely to be tolerated. In summary, the available evidence is currently insufficient to determine the role of this variant in disease. Therefore, it has been classified as a Variant of Uncertain Significance.

NM_133433.4(NIPBL):c.5227A>G (p.Met1743Val)

Gene: NIPBL (NIPBL cohesin loading factor; plus strand). Cytogenetic location: 5p13.2.
Variant type: single nucleotide variant.
Coding change: c.5227A>G on transcript NM_133433.4 (MANE Select); coding-DNA position 5227, A replaced by G.
Protein change: p.Met1743Val; replaces methionine 1743 with valine.
Molecular consequence: missense variant.
Genome position (GRCh38, 1-based): chr5:37,020,776, A>G. VCF-style: chr5-37020776-A-G. GRCh37 (hg19) VCF-style: chr5-37020878-A-G.
Other names: c.5227A>G, p.Met1743Val (NM_015384.5); short protein forms M1743V.
Identifiers: ClinVar variation 3620557 (VCV003620557.2).